The following is an entry in ClinVar:

ClinVar aggregate classification (germline): Uncertain significance (1 of 4 stars; one submission).

Allele frequency attached by ClinVar (database versions not stated): gnomAD exomes below 0.00001; TOPMed below 0.00001; gnomAD 0.00001.
gnomAD v4.1: 3 of 1,614,068 alleles (0.00019%); highest among the groups gnomAD compares: African/African-American, 0.0027%; no homozygotes.

Submission:

CeGaT Center for Human Genetics Tuebingen
Classification: Uncertain significance. Last evaluated: 2023-07-01. Review status: criteria provided, single submitter. Criteria: CeGaT Center For Human Genetics Tuebingen Variant Classification Criteria Version 2. Collection method: clinical testing. Allele origin: germline. Affected: yes. Observed: 1 variant allele.
Comment: ZNF423: PM2, BP4

NM_001379286.1(ZNF423):c.477C>T (p.Ser159=)

Gene: ZNF423 (zinc finger protein 423; minus strand). Cytogenetic location: 16q12.1.
Variant type: single nucleotide variant.
Coding change: c.477C>T on transcript NM_001379286.1 (MANE Select); coding-DNA position 477, C replaced by T.
Protein change: p.Ser159=; no amino-acid change (serine 159 retained).
Molecular consequence: synonymous variant.
Genome position (GRCh38, 1-based): chr16:49,638,699, G>A on the plus strand (C>T on the coding strand, the complement: ZNF423 is on the minus strand). VCF-style: chr16-49638699-G-A. GRCh37 (hg19) VCF-style: chr16-49672610-G-A.
Other names: c.273C>T, p.Ser91= (NM_001271620.2); c.102C>T, p.Ser34= (NM_001330533.2); c.453C>T, p.Ser151= (NM_015069.5).
Identifiers: ClinVar variation 2646504 (VCV002646504.24), dbSNP rs199911287, ClinGen allele CA281213703.